The following is an entry in ClinVar:

NM_001382391.1(CSPP1):c.2059G>T (p.Val687Leu)

Gene: CSPP1 (centrosome and spindle pole associated protein 1; plus strand). Cytogenetic location: 8q13.2.
Variant type: single nucleotide variant.
Coding change: c.2059G>T on transcript NM_001382391.1 (MANE Select); coding-DNA position 2059, G replaced by T.
Protein change: p.Val687Leu; replaces valine 687 with leucine.
Molecular consequence: missense variant. On other transcripts: intron variant (3).
Genome position (GRCh38, 1-based): chr8:67,149,866, G>T. VCF-style: chr8-67149866-G-T. GRCh37 (hg19) VCF-style: chr8-68062101-G-T.
Other names: c.1978G>T, p.Val660Leu (NM_001363131.2); c.2125G>T, p.Val709Leu (NM_001364869.1); c.1945G>T, p.Val649Leu (NM_001364870.1); c.2044G>T, p.Val682Leu (NM_024790.7); c.1934-4158G>T (NM_001363132.2); c.1853-4158G>T (NM_001363133.2); c.1079-4158G>T (NM_001291339.2); short protein forms V687L, V682L, V649L, V660L, V709L.
Identifiers: ClinVar variation 966817 (VCV000966817.9), dbSNP rs764240953, ClinGen allele CA371186543.

ClinVar aggregate classification (germline): Uncertain significance (1 of 4 stars; one submission).

Conditions:
Joubert syndrome 21 (JBTS21). Identifiers: MedGen C3810212, MONDO:0014288, OMIM 615636.

Submission:

Labcorp Genetics (formerly Invitae), Labcorp
Classification: Uncertain significance for Joubert syndrome 21. Last evaluated: 2022-06-03. Review status: criteria provided, single submitter. Criteria: Invitae Variant Classification Sherloc (09022015). Collection method: clinical testing. Allele origin: germline.
Comment: This sequence change replaces valine, which is neutral and non-polar, with leucine, which is neutral and non-polar, at codon 682 of the CSPP1 protein (p.Val682Leu). This variant is not present in population databases (gnomAD no frequency). This variant has not been reported in the literature in individuals affected with CSPP1-related conditions. ClinVar contains an entry for this variant (Variation ID: 966817). Algorithms developed to predict the effect of missense changes on protein structure and function are either unavailable or do not agree on the potential impact of this missense change (SIFT: "Deleterious"; PolyPhen-2: "Benign"; Align-GVGD: "Class C0"). Algorithms developed to predict the effect of sequence changes on RNA splicing suggest that this variant may disrupt the consensus splice site. In summary, the available evidence is currently insufficient to determine the role of this variant in disease. Therefore, it has been classified as a Variant of Uncertain Significance.